The following is an entry in ClinVar:

ClinVar aggregate classification (germline): Uncertain significance (1 of 4 stars; one submission).

Allele frequency attached by ClinVar (database versions not stated): gnomAD exomes 0.00003; ExAC 0.00012.
gnomAD v4.1: 18 of 1,591,208 alleles (0.0011%); highest among the groups gnomAD compares: South Asian, 0.018%; no homozygotes.

Submission:

Labcorp Genetics (formerly Invitae), Labcorp
Classification: Uncertain significance. Last evaluated: 2022-02-12. Review status: criteria provided, single submitter. Criteria: Invitae Variant Classification Sherloc (09022015). Collection method: clinical testing. Allele origin: germline.
Comment: This variant has not been reported in the literature in individuals affected with FGFRL1-related conditions. Algorithms developed to predict the effect of missense changes on protein structure and function are either unavailable or do not agree on the potential impact of this missense change (SIFT: "Tolerated"; PolyPhen-2: "Probably Damaging"; Align-GVGD: "Class C0"). This sequence change replaces glutamic acid, which is acidic and polar, with lysine, which is basic and polar, at codon 54 of the FGFRL1 protein (p.Glu54Lys). This variant is present in population databases (rs766480123, gnomAD 0.03%). In summary, the available evidence is currently insufficient to determine the role of this variant in disease. Therefore, it has been classified as a Variant of Uncertain Significance.

NM_001004356.3(FGFRL1):c.160G>A (p.Glu54Lys)

Gene: FGFRL1 (fibroblast growth factor receptor like 1; plus strand). Cytogenetic location: 4p16.3.
Variant type: single nucleotide variant.
Coding change: c.160G>A on transcript NM_001004356.3 (MANE Select); coding-DNA position 160, G replaced by A.
Protein change: p.Glu54Lys; replaces glutamic acid 54 with lysine.
Molecular consequence: missense variant.
Genome position (GRCh38, 1-based): chr4:1,022,283, G>A. VCF-style: chr4-1022283-G-A. GRCh37 (hg19) VCF-style: chr4-1016071-G-A.
Other names: c.160G>A, p.Glu54Lys (NM_001004358.1, NM_001370296.1, NM_021923.3); short protein forms E54K.
Identifiers: ClinVar variation 1987364 (VCV001987364.4), dbSNP rs766480123, ClinGen allele CA2802593.